The following is an entry in ClinVar:

NM_001005241.4(OR4N4):c.807G>A (p.Lys269=)

Genes: OR4M2-OT1 (OR4M2 overlapping transcript 1; plus strand), OR4N4 (olfactory receptor family 4 subfamily N member 4; plus strand), LOC126088093 (BRD4-independent group 4 enhancer GRCh37_chr15:22382101-22383300; plus strand). Cytogenetic location: 15q11.2.
Variant type: single nucleotide variant.
Coding change: c.807G>A on transcript NM_001005241.4 (MANE Select); coding-DNA position 807, G replaced by A.
Protein change: p.Lys269=; no amino-acid change (lysine 269 retained).
Molecular consequence: synonymous variant.
Genome position (GRCh38, 1-based): chr15:22,095,328, G>A. VCF-style: chr15-22095328-G-A. GRCh37 (hg19) VCF-style: chr15-22383279-G-A.
Identifiers: ClinVar variation 2644940 (VCV002644940.24), dbSNP rs370713005, ClinGen allele CA266505281.
Genomic context (GRCh38, chr15:22,095,328, plus strand): 5'-TATGTTTGGACCTGCTATCTTCATCTACATGTGCCCTTTCAGGGCCTTACCAGCTGACAA[G>A]ATGGTTTCTCTCTTTCACACAGTGATCTTTCCATTGATGAATCCTATGATTTATACCCTT-3'
Protein context (NP_001005241.2, residues 259-279): MCPFRALPAD[Lys269=]MVSLFHTVIF

ClinVar aggregate classification (germline): Likely benign (1 of 4 stars; one submission).

Allele frequency attached by ClinVar (database versions not stated): ExAC 0.00002; gnomAD exomes 0.00004; ESP Exome Variant Server 0.00008.

Submission:

CeGaT Center for Human Genetics Tuebingen
Classification: Likely benign. Last evaluated: 2023-03-01. Review status: criteria provided, single submitter. Criteria: CeGaT Center For Human Genetics Tuebingen Variant Classification Criteria Version 2. Collection method: clinical testing. Allele origin: germline. Affected: yes. Observed: 1 variant allele.
Comment: OR4N4: BP4, BP7